The following is an entry in ClinVar:

ClinVar aggregate classification (germline): Uncertain significance. Review status: criteria provided, multiple submitters, no conflicts (2 of 4 stars). 2 submissions from 2 submitters: Uncertain significance (2). Last evaluated 2024-11-13.

Conditions:
Inborn genetic diseases. Identifiers: MedGen C0950123, MeSH D030342.

gnomAD v4.1: 4 of 1,611,134 alleles (0.00025%); highest among the groups gnomAD compares: Admixed American, 0.0017%; no homozygotes.

Submissions (2):

Ambry Genetics
Classification: Uncertain significance for Inborn genetic diseases. Last evaluated: 2024-11-13. Review status: criteria provided, single submitter. Criteria: Ambry Variant Classification Scheme 2023. Collection method: clinical testing. Allele origin: germline.

GeneDx
Classification: Uncertain significance. Last evaluated: 2024-01-24. Review status: criteria provided, single submitter. Criteria: GeneDx Variant Classification Process June 2021. Collection method: clinical testing. Allele origin: germline. Affected: yes.
Comment: Not observed at significant frequency in large population cohorts (gnomAD); In silico analysis supports that this missense variant does not alter protein structure/function; Has not been previously published as pathogenic or benign to our knowledge

NM_004667.6(HERC2):c.286T>G (p.Ser96Ala)

Gene: HERC2 (HECT and RLD domain containing E3 ubiquitin protein ligase 2; minus strand). Cytogenetic location: 15q13.1.
Variant type: single nucleotide variant.
Coding change: c.286T>G on transcript NM_004667.6 (MANE Select); coding-DNA position 286, T replaced by G.
Protein change: p.Ser96Ala; replaces serine 96 with alanine.
Molecular consequence: missense variant.
Genome position (GRCh38, 1-based): chr15:28,292,924, A>C on the plus strand (T>G on the coding strand, the complement: HERC2 is on the minus strand). VCF-style: chr15-28292924-A-C. GRCh37 (hg19) VCF-style: chr15-28538070-A-C.
Other names: c.286T>G (NM_004667.4); short protein forms S96A.
Identifiers: ClinVar variation 3368191 (VCV003368191.2).
Genomic context (GRCh38, chr15:28,292,924, plus strand): 5'-AAGTGCCAAAATTCACAAGATTACCTGGTTGCTTGCCCCATACCCAGCTGTCCAGAATTG[A>C]CTTGGCCCTATATATAGGTGCAGGAGTTTCTTCTTCATCTTTTTTCTCTTTGTCATTCAG-3'
Protein context (NP_004658.3, residues 86-106): ETPAPIYRAK[Ser96Ala]ILDSWVWGKQ